The following is an entry in ClinVar:

NM_004523.4(KIF11):c.2267+1G>A

Gene: KIF11 (kinesin family member 11; plus strand). Cytogenetic location: 10q23.33.
Variant type: single nucleotide variant.
Coding change: c.2267+1G>A on transcript NM_004523.4 (MANE Select); the canonical splice donor site of the intron after coding-DNA position 2267, G replaced by A.
Molecular consequence: splice donor variant.
Genome position (GRCh38, 1-based): chr10:92,639,901, G>A. VCF-style: chr10-92639901-G-A. GRCh37 (hg19) VCF-style: chr10-94399658-G-A.
Other names: NM_004523.4:c.2267+1G>A.
Identifiers: ClinVar variation 2500888 (VCV002500888.1), dbSNP rs2492528918, ClinGen allele CA377593821.
Genomic context (GRCh38, chr10:92,639,901, plus strand): 5'-GGAGGAAAAGTGTGAAAATATACAGAAACCACTTAGTAGTGTCCAGGAAAATATACAGCA[G>A]TAAGCTATTTTTAAATTCTCTTAAACTTTTCTGTAAGTCTGAAATTATTTAAGAAGAAAA-3'

ClinVar aggregate classification (germline): Pathogenic (1 of 4 stars; one submission).

Conditions:
Microcephaly with or without chorioretinopathy, lymphedema, or impaired intellectual development. Also called: Microcephaly with or without chorioretinopathy, lymphedema, or intellectual disability; Microcephaly lymphedema chorioretinal dysplasia; MICROCEPHALY AND CHORIORETINOPATHY WITH OR WITHOUT MENTAL RETARDATION, AUTOSOMAL DOMINANT; MICROCEPHALY, LYMPHEDEMA, CHORIORETINAL DYSPLASIA SYNDROME; Microcephaly with or without chorioretinopathy, lymphedema, or mental retardation. Identifiers: Orphanet 2526, MedGen C1835265, MONDO:0007918, OMIM 152950.

Submission:

Broad Center for Mendelian Genomics, Broad Institute of MIT and Harvard
Classification: Pathogenic for Microcephaly with or without chorioretinopathy, lymphedema, or impaired intellectual development. Last evaluated: 2023-05-02. Review status: criteria provided, single submitter. Criteria: ACMG Guidelines, 2015. Collection method: curation. Allele origin: germline. Inheritance: Autosomal dominant inheritance.
Comment: This variant was previously found to be de novo in one individual with confirmed paternity and maternity (PMID: 24281367). This variant is absent from population databases. A different nucleotide change that also results in a splice acceptor variant at the same site, c.2267+1G>C, has been previously reported likely pathogenic (PMID: 34128965), and the variant being assessed here, c.2267+1G>A, is predicted by SpliceAI to have a similar effect on splicing. This variant is located in the 5' splice region. Computational tools predict a splicing impact, though this information is not predictive enough to determine pathogenicity. There is an in-frame cryptic splice site 33 bases from the intron-exon boundary, providing evidence that this variant may add 11 amino acids instead of causing loss of function. However, this information is not predictive enough to determine pathogenicity. Heterozygous loss of function of the KIF11 gene is an established disease mechanism in autosomal dominant microcephaly with or without chorioretinopathy, lymphedema, or intellectual disability. In summary, this variant meets criteria to be classified as pathogenic for autosomal dominant microcephaly with or without chorioretinopathy, lymphedema, or intellectual disability. ACMG/AMP Criteria applied: PVS1_Strong, PS1_Supporting, PS2, PM2_Supporting, PM6_Supporting (Richards 2015).